The following is an entry in ClinVar:

ClinVar aggregate classification (germline): Uncertain significance (1 of 4 stars; one submission).

Submission:

GeneDx
Classification: Uncertain significance. Last evaluated: 2024-03-27. Review status: criteria provided, single submitter. Criteria: GeneDx Variant Classification Process June 2021. Collection method: clinical testing. Allele origin: germline. Affected: yes.
Comment: Not observed at significant frequency in large population cohorts (gnomAD); Canonical splice site variant in a gene or region of a gene for which loss of function is not a well-established mechanism of disease; Has not been previously published as pathogenic or benign to our knowledge

NM_032656.4(DHX37):c.1408+1G>A

Gene: DHX37 (DEAH-box helicase 37; minus strand). Cytogenetic location: 12q24.31.
Variant type: single nucleotide variant.
Coding change: c.1408+1G>A on transcript NM_032656.4 (MANE Select); the canonical splice donor site of the intron after coding-DNA position 1408, G replaced by A.
Molecular consequence: splice donor variant.
Genome position (GRCh38, 1-based): chr12:124,968,533, C>T on the plus strand (G>A on the coding strand, the complement: DHX37 is on the minus strand). VCF-style: chr12-124968533-C-T. GRCh37 (hg19) VCF-style: chr12-125453079-C-T.
Identifiers: ClinVar variation 3371724 (VCV003371724.1).